The following is an entry in ClinVar:

ClinVar aggregate classification (germline): Uncertain significance (1 of 4 stars; one submission).

Conditions:
Bloom syndrome (BLM). Also called: Bloom-Torre-Machacek syndrome. Identifiers: Orphanet 125, MedGen C0005859, MONDO:0008876, OMIM 210900.

Submission:

Labcorp Genetics (formerly Invitae), Labcorp
Classification: Uncertain significance for Bloom syndrome. Last evaluated: 2023-08-30. Review status: criteria provided, single submitter. Criteria: Invitae Variant Classification Sherloc (09022015). Collection method: clinical testing. Allele origin: germline.
Comment: This variant has not been reported in the literature in individuals affected with BLM-related conditions. Advanced modeling of protein sequence and biophysical properties (such as structural, functional, and spatial information, amino acid conservation, physicochemical variation, residue mobility, and thermodynamic stability) performed at Invitae indicates that this missense variant is expected to disrupt BLM protein function. In summary, the available evidence is currently insufficient to determine the role of this variant in disease. Therefore, it has been classified as a Variant of Uncertain Significance. This variant is not present in population databases (gnomAD no frequency). This sequence change replaces cysteine, which is neutral and slightly polar, with phenylalanine, which is neutral and non-polar, at codon 1063 of the BLM protein (p.Cys1063Phe).

NM_000057.4(BLM):c.3188G>T (p.Cys1063Phe)

Gene: BLM (BLM RecQ like helicase; plus strand). Cytogenetic location: 15q26.1.
Variant type: single nucleotide variant.
Coding change: c.3188G>T on transcript NM_000057.4 (MANE Select); coding-DNA position 3188, G replaced by T.
Protein change: p.Cys1063Phe; replaces cysteine 1063 with phenylalanine.
Molecular consequence: missense variant.
Genome position (GRCh38, 1-based): chr15:90,794,335, G>T. VCF-style: chr15-90794335-G-T. GRCh37 (hg19) VCF-style: chr15-91337565-G-T.
Other names: c.3188G>T, p.Cys1063Phe (NM_001287246.2, NM_001287247.2); c.2063G>T, p.Cys688Phe (NM_001287248.2); short protein forms C688F, C1063F.
Identifiers: ClinVar variation 2756441 (VCV002756441.3), dbSNP rs2151187434, ClinGen allele CA393847033.
Genomic context (GRCh38, chr15:90,794,335, plus strand): 5'-CCTACTTTGGTGAAAATGGATTTAATCCTGATTTTTGTAAGAAACACCCAGATGTTTCTT[G>T]TGATAATTGCTGTAAAACAAAGGTAAAAAAAGAAGTTTTAAAATTCTTTATAATTAAATT-3'
Protein context (NP_000048.1, residues 1053-1073): DFCKKHPDVS[Cys1063Phe]DNCCKTKDYK